The following is an entry in ClinVar:

ClinVar aggregate classification (germline): Uncertain significance (1 of 4 stars; one submission).

Conditions:
Dilated cardiomyopathy 1DD (CMD1DD). Identifiers: Orphanet 154, MedGen C2750995, MONDO:0013168, OMIM 613172.

gnomAD v4.1: 3 of 1,551,586 alleles (0.00019%); highest among the groups gnomAD compares: Non-Finnish European, 0.00026%; no homozygotes.

Submission:

Labcorp Genetics (formerly Invitae), Labcorp
Classification: Uncertain significance for Dilated cardiomyopathy 1DD. Last evaluated: 2024-09-06. Review status: criteria provided, single submitter. Criteria: Invitae Variant Classification Sherloc (09022015). Collection method: clinical testing. Allele origin: germline.
Comment: This sequence change replaces arginine, which is basic and polar, with lysine, which is basic and polar, at codon 731 of the RBM20 protein (p.Arg731Lys). This variant is not present in population databases (gnomAD no frequency). This variant has not been reported in the literature in individuals affected with RBM20-related conditions. Invitae Evidence Modeling of protein sequence and biophysical properties (such as structural, functional, and spatial information, amino acid conservation, physicochemical variation, residue mobility, and thermodynamic stability) indicates that this missense variant is not expected to disrupt RBM20 protein function with a negative predictive value of 95%. In summary, the available evidence is currently insufficient to determine the role of this variant in disease. Therefore, it has been classified as a Variant of Uncertain Significance.

NM_001134363.3(RBM20):c.2192G>A (p.Arg731Lys)

Gene: RBM20 (RNA binding motif protein 20; plus strand). Cytogenetic location: 10q25.2.
Variant type: single nucleotide variant.
Coding change: c.2192G>A on transcript NM_001134363.3 (MANE Select); coding-DNA position 2192, G replaced by A.
Protein change: p.Arg731Lys; replaces arginine 731 with lysine.
Molecular consequence: missense variant.
Genome position (GRCh38, 1-based): chr10:110,812,589, G>A. VCF-style: chr10-110812589-G-A. GRCh37 (hg19) VCF-style: chr10-112572347-G-A.
Other names: short protein forms R731K.
Identifiers: ClinVar variation 3626175 (VCV003626175.2).